The following is an entry in ClinVar:

ClinVar aggregate classification (germline): Uncertain significance (1 of 4 stars; one submission).

Conditions:
Hereditary cancer-predisposing syndrome. Also called: Neoplastic Syndromes, Hereditary; Tumor predisposition; Hereditary neoplastic syndrome; Hereditary Cancer Syndrome. Identifiers: Orphanet 140162, MedGen C0027672, MeSH D009386, MONDO:0015356.

Submission:

Ambry Genetics
Classification: Uncertain significance for Hereditary cancer-predisposing syndrome. Last evaluated: 2024-02-20. Review status: criteria provided, single submitter. Criteria: Ambry Variant Classification Scheme 2023. Collection method: clinical testing. Allele origin: germline.
Comment: The p.N1843T variant (also known as c.5528A>C), located in coding exon 40 of the POLE gene, results from an A to C substitution at nucleotide position 5528. The asparagine at codon 1843 is replaced by threonine, an amino acid with similar properties. This amino acid position is conserved. In addition, this alteration is predicted to be tolerated by in silico analysis. Based on the available evidence, the clinical significance of this alteration remains unclear.

NM_006231.4(POLE):c.5528A>C (p.Asn1843Thr)

Gene: POLE (DNA polymerase epsilon, catalytic subunit; minus strand). Cytogenetic location: 12q24.33.
Variant type: single nucleotide variant.
Coding change: c.5528A>C on transcript NM_006231.4 (MANE Select); coding-DNA position 5528, A replaced by C.
Protein change: p.Asn1843Thr; replaces asparagine 1843 with threonine.
Molecular consequence: missense variant.
Genome position (GRCh38, 1-based): chr12:132,639,149, T>G on the plus strand (A>C on the coding strand, the complement: POLE is on the minus strand). VCF-style: chr12-132639149-T-G. GRCh37 (hg19) VCF-style: chr12-133215735-T-G.
Other names: short protein forms N1843T.
Identifiers: ClinVar variation 3225482 (VCV003225482.1), dbSNP rs753680242, ClinGen allele CA387374583.